The following is an entry in ClinVar:

NM_000088.4(COL1A1):c.1056+12del

Gene: COL1A1 (collagen type I alpha 1 chain; minus strand). Cytogenetic location: 17q21.33.
Variant type: Deletion.
Coding change: c.1056+12del on transcript NM_000088.4 (MANE Select); 12 bases into the intron after coding-DNA position 1056, one base deleted (C; older notation c.1056+12delC).
Molecular consequence: intron variant.
Genome position (GRCh38, 1-based): chr17:50,195,911, G deleted on the plus strand (C on the coding strand, the reverse complement: COL1A1 is on the minus strand); the first of 6 consecutive G bases (chr17:50,195,911-50,195,916); deleting any one gives the same sequence. VCF-style (leftmost placement, unchanged base first): chr17-50195910-TG-T. GRCh37 (hg19) VCF-style: chr17-48273271-TG-T.
Other names: c.1056+12delC (NM_000088.4).
Identifiers: ClinVar variation 2042780 (VCV002042780.7), dbSNP rs766175536, ClinGen allele CA8645416.

ClinVar aggregate classification (germline): Benign/Likely benign. Review status: criteria provided, multiple submitters, no conflicts (2 of 4 stars). 4 submissions from 4 submitters: Benign (2); Likely benign (2). Last evaluated 2025-12-19.

Conditions:
Osteogenesis imperfecta type I (OI1). Also called: Lobstein's Disease; OI, TYPE I; OSTEOGENESIS IMPERFECTA TARDA; OSTEOGENESIS IMPERFECTA WITH BLUE SCLERAE; Osteogenesis imperfecta type 1; Lobstein disease. Identifiers: Orphanet 216796, Orphanet 666, MedGen C0023931, MONDO:0008146, OMIM 166200. Disease mechanism: loss of function.

Submissions (4):

Labcorp Genetics (formerly Invitae), Labcorp
Classification: Benign for Osteogenesis imperfecta type I. Last evaluated: 2025-12-19. Review status: criteria provided, single submitter. Criteria: Invitae Variant Classification Sherloc (09022015). Collection method: clinical testing. Allele origin: germline.

ARUP Laboratories, Molecular Genetics and Genomics, ARUP Laboratories
Classification: Likely benign. Last evaluated: 2025-04-14. Review status: criteria provided, single submitter. Criteria: ARUP Molecular Germline Variant Investigation Process 2024. Collection method: clinical testing. Allele origin: germline.

Women's Health and Genetics/Laboratory Corporation of America, LabCorp
Classification: Benign. Last evaluated: 2024-12-19. Review status: criteria provided, single submitter. Criteria: LabCorp Variant Classification Summary - May 2015. Collection method: clinical testing. Allele origin: germline.
Comment: Variant summary: COL1A1 c.1056+12delC alters a non-conserved nucleotide located at a position not widely known to affect splicing. Consensus agreement among computation tools predict no significant impact on normal splicing. However, these predictions have yet to be confirmed by functional studies. The variant allele was found at a frequency of 3.7e-05 in 1570770 control chromosomes, predominantly at a frequency of 4.9e-05 within the Non-Finnish European subpopulation in the gnomAD database. The observed variant frequency within Non-Finnish European control individuals in the gnomAD database is approximately 1.7 fold of the estimated maximal expected allele frequency for a pathogenic variant in COL1A1 causing Osteogenesis Imperfecta phenotype (2.8e-05). To our knowledge, no occurrence of c.1056+12delC in individuals affected with Osteogenesis Imperfecta and no experimental evidence demonstrating its impact on protein function have been reported. ClinVar contains an entry for this variant (Variation ID: 2042780). Based on the evidence outlined above, the variant was classified as benign.

Blueprint Genetics
Classification: Likely benign. Last evaluated: 2020-04-22. Review status: criteria provided, single submitter. Criteria: ACMG Guidelines, 2015. Collection method: clinical testing. Allele origin: germline.